The following is an entry in ClinVar:

ClinVar aggregate classification (germline): Uncertain significance. Review status: criteria provided, multiple submitters, no conflicts (2 of 4 stars). 2 submissions from 2 submitters: Uncertain significance (2). Last evaluated 2026-04-02.

Conditions:
FN1-related disorder. Also called: FN1-related condition.

Allele frequency attached by ClinVar (database versions not stated): ExAC 0.00002; gnomAD 0.00003; ESP Exome Variant Server 0.00008.
gnomAD v4.1: 12 of 1,614,118 alleles (0.00074%); highest among the groups gnomAD compares: African/African-American, 0.0013%; no homozygotes.

Submissions (2):

PreventionGenetics, part of Exact Sciences
Classification: Uncertain significance for FN1-related condition. Last evaluated: 2026-04-02. Review status: criteria provided, single submitter. Criteria: ACMG Guidelines, 2015. Collection method: clinical testing. Allele origin: germline.
Comment: The FN1 c.6511G>C variant is predicted to result in the amino acid substitution p.Val2171Leu. To our knowledge, this variant has not been reported in the literature. This variant is reported in 0.0018% of alleles in individuals of European (Non-Finnish) descent in gnomAD. At this time, the clinical significance of this variant is uncertain due to the absence of conclusive functional and genetic evidence.

Labcorp Genetics (formerly Invitae), Labcorp
Classification: Uncertain significance. Last evaluated: 2023-12-30. Review status: criteria provided, single submitter. Criteria: Invitae Variant Classification Sherloc (09022015). Collection method: clinical testing. Allele origin: germline.
Comment: This sequence change replaces valine, which is neutral and non-polar, with leucine, which is neutral and non-polar, at codon 2171 of the FN1 protein (p.Val2171Leu). This variant is present in population databases (rs369532159, gnomAD 0.002%). This variant has not been reported in the literature in individuals affected with FN1-related conditions. An algorithm developed to predict the effect of missense changes on protein structure and function (PolyPhen-2) suggests that this variant is likely to be tolerated. In summary, the available evidence is currently insufficient to determine the role of this variant in disease. Therefore, it has been classified as a Variant of Uncertain Significance.

NM_212482.4(FN1):c.6511G>C (p.Val2171Leu)

Gene: FN1 (fibronectin 1; minus strand). Cytogenetic location: 2q35.
Variant type: single nucleotide variant.
Coding change: c.6511G>C on transcript NM_212482.4 (MANE Select); coding-DNA position 6511, G replaced by C.
Protein change: p.Val2171Leu; replaces valine 2171 with leucine.
Molecular consequence: missense variant. On other transcripts: intron variant (3).
Genome position (GRCh38, 1-based): chr2:215,372,112, C>G on the plus strand (G>C on the coding strand, the complement: FN1 is on the minus strand). VCF-style: chr2-215372112-C-G. GRCh37 (hg19) VCF-style: chr2-216236835-C-G.
Other names: c.6238G>C, p.Val2080Leu (NM_001365518.2, NM_002026.4); c.6166G>C, p.Val2056Leu (NM_001365519.2, NM_001365522.2); c.6163G>C, p.Val2055Leu (NM_001365520.2, NM_212478.3); c.6241G>C, p.Val2081Leu (NM_001365521.2, NM_001365517.2); c.5893G>C, p.Val1965Leu (NM_001365523.2, NM_001306132.2); c.5968G>C, p.Val1990Leu (NM_212476.3, NM_001306131.2); c.5705-97G>C (NM_212474.3); c.5975-97G>C (NM_001365524.2); and 3 more; short protein forms V2080L, V2081L, V2171L, V1965L, V2055L, V2056L, V1990L.
Identifiers: ClinVar variation 2980649 (VCV002980649.4), dbSNP rs369532159, ClinGen allele CA2093831.